The following is an entry in ClinVar:

NM_004006.3(DMD):c.7201-159A>C

Gene: DMD (dystrophin; minus strand). Cytogenetic location: Xp21.1.
Variant type: single nucleotide variant.
Coding change: c.7201-159A>C on transcript NM_004006.3 (MANE Select); 159 bases into the intron before coding-DNA position 7201, A replaced by C.
Molecular consequence: intron variant.
Genome position (GRCh38, 1-based): chrX:31,820,242, T>G on the plus strand (A>C on the coding strand, the complement: DMD is on the minus strand). VCF-style: chrX-31820242-T-G. GRCh37 (hg19) VCF-style: chrX-31838359-T-G.
Other names: c.7177-159A>C (NM_000109.4); c.3178-159A>C (NM_004011.4); c.3169-159A>C (NM_004012.4); c.-180-159A>C (NM_004023.3, NM_004020.4, NM_004022.3 and 2 more transcripts); c.7189-159A>C (NM_004009.3); c.6832-159A>C (NM_004010.3).
Identifiers: ClinVar variation 672525 (VCV000672525.1), dbSNP rs5927044, ClinGen allele CA328476089.

ClinVar aggregate classification (germline): Benign (1 of 4 stars; one submission).

Allele frequency attached by ClinVar (database versions not stated): gnomAD 0.12689 and 0.12385; 1000 Genomes Project 30x 0.16587; 1000 Genomes Project 0.17457; TOPMed 0.12309.
gnomAD v4.1: 14,146 of 111,801 alleles (13%); highest among the groups gnomAD compares: East Asian, 28%; 707 homozygotes.

Submission:

GeneDx
Classification: Benign. Last evaluated: 2018-06-16. Review status: criteria provided, single submitter. Criteria: GeneDx Variant Classification (06012015). Collection method: clinical testing. Allele origin: germline. Affected: yes.
Comment: This variant is considered likely benign or benign based on one or more of the following criteria: it is a conservative change, it occurs at a poorly conserved position in the protein, it is predicted to be benign by multiple in silico algorithms, and/or has population frequency not consistent with disease.